The following is an entry in ClinVar:

NM_000143.4(FH):c.98T>G (p.Val33Gly)

Gene: FH (fumarate hydratase; minus strand). Cytogenetic location: 1q43.
Variant type: single nucleotide variant.
Coding change: c.98T>G on transcript NM_000143.4 (MANE Select); coding-DNA position 98, T replaced by G.
Protein change: p.Val33Gly; replaces valine 33 with glycine.
Molecular consequence: missense variant.
Genome position (GRCh38, 1-based): chr1:241,519,625, A>C on the plus strand (T>G on the coding strand, the complement: FH is on the minus strand). VCF-style: chr1-241519625-A-C. GRCh37 (hg19) VCF-style: chr1-241682925-A-C.
Other names: short protein forms V33G.
Identifiers: ClinVar variation 485560 (VCV000485560.15), dbSNP rs1319755767, ClinGen allele CA345442710.

ClinVar aggregate classification (germline): Conflicting classifications of pathogenicity. Review status: criteria provided, conflicting classifications (1 of 4 stars). 4 submissions from 4 submitters: Uncertain significance (2); Likely benign (1). 1 of the submissions does not count toward it. Last evaluated 2025-12-22.

Conditions:
Hereditary cancer-predisposing syndrome. Also called: Tumor predisposition; Hereditary neoplastic syndrome; Neoplastic Syndromes, Hereditary; Hereditary Cancer Syndrome. Identifiers: Orphanet 140162, MedGen C0027672, MeSH D009386, MONDO:0015356.
Fumarase deficiency (FMRD). Also called: Fumarate Hydratase Deficiency; Fumaric aciduria. Identifiers: Orphanet 24, MedGen C0342770, MONDO:0011730, OMIM 606812.

Allele frequency attached by ClinVar (database versions not stated): TOPMed below 0.00001; gnomAD exomes 0.00001.

Submissions (4):

Labcorp Genetics (formerly Invitae), Labcorp
Classification: Uncertain significance. Last evaluated: 2025-12-22. Review status: criteria provided, single submitter. Criteria: Invitae Variant Classification Sherloc (09022015). Collection method: clinical testing. Allele origin: germline.
Comment: This sequence change replaces valine, which is neutral and non-polar, with glycine, which is neutral and non-polar, at codon 33 of the FH protein (p.Val33Gly). This variant is present in population databases (no rsID available, gnomAD 0.002%). This variant has not been reported in the literature in individuals affected with FH-related conditions. ClinVar contains an entry for this variant (Variation ID: 485560). Invitae Evidence Modeling of protein sequence and biophysical properties (such as structural, functional, and spatial information, amino acid conservation, physicochemical variation, residue mobility, and thermodynamic stability) indicates that this missense variant is not expected to disrupt FH protein function with a negative predictive value of 95%. In summary, the available evidence is currently insufficient to determine the role of this variant in disease. Therefore, it has been classified as a Variant of Uncertain Significance.

GeneDx
Classification: Uncertain significance. Last evaluated: 2024-03-13. Review status: criteria provided, single submitter. Criteria: GeneDx Variant Classification Process June 2021. Collection method: clinical testing. Allele origin: germline.
Comment: Not observed at significant frequency in large population cohorts (gnomAD); In silico analysis supports that this missense variant does not alter protein structure/function; Has not been previously published as pathogenic or benign to our knowledge

Ambry Genetics
Classification: Likely benign for Hereditary cancer-predisposing syndrome. Last evaluated: 2022-04-29. Review status: criteria provided, single submitter. Criteria: Ambry Variant Classification Scheme 2023. Collection method: clinical testing. Allele origin: germline.

Natera, Inc.
Classification: Uncertain significance for Fumarase deficiency. Last evaluated: 2020-09-16. Review status: no assertion criteria provided. Collection method: clinical testing. Allele origin: germline. Not counted in ClinVar's aggregate classification.